The following is an entry in ClinVar:

ClinVar aggregate classification (germline): Uncertain significance (1 of 4 stars; one submission).

Conditions:
Primary immunodeficiency with post-measles-mumps-rubella vaccine viral infection. Also called: Immunodeficiency 44. Identifiers: Orphanet 431166, MedGen C4225260, MONDO:0014715, OMIM 616636.

Allele frequency attached by ClinVar (database versions not stated): ExAC 0.00001; gnomAD 0.00001 and 0.00003; gnomAD exomes 0.00001 and 0.00002; TOPMed 0.00003.
gnomAD v4.1: 31 of 1,614,058 alleles (0.0019%); highest among the groups gnomAD compares: Non-Finnish European, 0.0025%; no homozygotes.

Submission:

Labcorp Genetics (formerly Invitae), Labcorp
Classification: Uncertain significance for Primary immunodeficiency with post-measles-mumps-rubella vaccine viral infection. Last evaluated: 2021-12-04. Review status: criteria provided, single submitter. Criteria: Invitae Variant Classification Sherloc (09022015). Collection method: clinical testing. Allele origin: germline.
Comment: This sequence change replaces glycine, which is neutral and non-polar, with arginine, which is basic and polar, at codon 254 of the STAT2 protein (p.Gly254Arg). This variant is present in population databases (rs774007338, gnomAD 0.005%). This variant has not been reported in the literature in individuals affected with STAT2-related conditions. Algorithms developed to predict the effect of missense changes on protein structure and function (SIFT, PolyPhen-2, Align-GVGD) all suggest that this variant is likely to be tolerated. Algorithms developed to predict the effect of sequence changes on RNA splicing suggest that this variant may create or strengthen a splice site. In summary, the available evidence is currently insufficient to determine the role of this variant in disease. Therefore, it has been classified as a Variant of Uncertain Significance.

NM_005419.4(STAT2):c.760G>A (p.Gly254Arg)

Gene: STAT2 (signal transducer and activator of transcription 2; minus strand). Cytogenetic location: 12q13.3.
Variant type: single nucleotide variant.
Coding change: c.760G>A on transcript NM_005419.4 (MANE Select); coding-DNA position 760, G replaced by A.
Protein change: p.Gly254Arg; replaces glycine 254 with arginine.
Molecular consequence: missense variant.
Genome position (GRCh38, 1-based): chr12:56,354,488, C>T on the plus strand (G>A on the coding strand, the complement: STAT2 is on the minus strand). VCF-style: chr12-56354488-C-T. GRCh37 (hg19) VCF-style: chr12-56748272-C-T.
Other names: c.748G>A, p.Gly250Arg (NM_001385110.1, NM_001385115.1, NM_198332.2); c.760G>A, p.Gly254Arg (NM_001385111.1, NM_001385113.1, NM_001385114.1); short protein forms G254R, G250R.
Identifiers: ClinVar variation 1520260 (VCV001520260.3), dbSNP rs774007338, ClinGen allele CA6630770.